The following is an entry in ClinVar:

NM_004035.7(ACOX1):c.205A>G (p.Ile69Val)

Gene: ACOX1 (acyl-CoA oxidase 1; minus strand). Cytogenetic location: 17q25.1.
Variant type: single nucleotide variant.
Coding change: c.205A>G on transcript NM_004035.7 (MANE Select); coding-DNA position 205, A replaced by G.
Protein change: p.Ile69Val; replaces isoleucine 69 with valine.
Molecular consequence: missense variant.
Genome position (GRCh38, 1-based): chr17:75,978,598, T>C on the plus strand (A>G on the coding strand, the complement: ACOX1 is on the minus strand). VCF-style: chr17-75978598-T-C. GRCh37 (hg19) VCF-style: chr17-73974679-T-C.
Other names: c.91A>G, p.Ile31Val (NM_001185039.2); c.205A>G, p.Ile69Val (NM_007292.6); short protein forms I31V, I69V.
Identifiers: ClinVar variation 2985022 (VCV002985022.3), dbSNP rs545602646, ClinGen allele CA8777114.

ClinVar aggregate classification (germline): Uncertain significance (1 of 4 stars; one submission).

Conditions:
Acyl-CoA oxidase deficiency. Also called: Peroxisomal acyl-CoA oxidase deficiency; STRAIGHT-CHAIN ACYL-CoA OXIDASE DEFICIENCY; Pseudoneonatal adrenoleukodystrophy. Identifiers: Orphanet 2971, MedGen C1849678, MONDO:0009919, OMIM 264470. Disease mechanism: loss of function.

Allele frequency attached by ClinVar (database versions not stated): gnomAD exomes below 0.00001; ExAC 0.00001; gnomAD 0.00001; 1000 Genomes Project 30x 0.00016; 1000 Genomes Project 0.00020.

Submission:

Labcorp Genetics (formerly Invitae), Labcorp
Classification: Uncertain significance for Acyl-CoA oxidase deficiency. Last evaluated: 2023-12-09. Review status: criteria provided, single submitter. Criteria: Invitae Variant Classification Sherloc (09022015). Collection method: clinical testing. Allele origin: germline.
Comment: This sequence change replaces isoleucine, which is neutral and non-polar, with valine, which is neutral and non-polar, at codon 69 of the ACOX1 protein (p.Ile69Val). This variant is present in population databases (rs545602646, gnomAD 0.003%). This variant has not been reported in the literature in individuals affected with ACOX1-related conditions. Advanced modeling of protein sequence and biophysical properties (such as structural, functional, and spatial information, amino acid conservation, physicochemical variation, residue mobility, and thermodynamic stability) performed at Invitae indicates that this missense variant is not expected to disrupt ACOX1 protein function with a negative predictive value of 80%. In summary, the available evidence is currently insufficient to determine the role of this variant in disease. Therefore, it has been classified as a Variant of Uncertain Significance.